The following is an entry in ClinVar:

ClinVar aggregate classification (germline): Benign/Likely benign. Review status: criteria provided, multiple submitters, no conflicts (2 of 4 stars). 7 submissions from 7 submitters: Benign (6); Likely benign (1). Last evaluated 2025-12-16.

Conditions:
Primary ciliary dyskinesia. Also called: Ciliary dyskinesia. Identifiers: Orphanet 244, MedGen C0008780, MONDO:0016575, HP:0012265.
Primary ciliary dyskinesia 7. Also called: CILIARY DYSKINESIA, PRIMARY, 7, WITH OR WITHOUT SITUS INVERSUS. Identifiers: Orphanet 244, MedGen C2678473, MONDO:0012748, OMIM 611884.

Allele frequency attached by ClinVar (database versions not stated): 1000 Genomes Project 0.41194; ESP Exome Variant Server 0.42795; gnomAD 0.44667 and 0.44739; ExAC 0.50620; 1000 Genomes Project 30x 0.41412; gnomAD exomes 0.43750; TOPMed 0.44095.
gnomAD v4.1: 745,877 of 1,550,724 alleles (48%); highest among the groups gnomAD compares: Middle Eastern, 55%; 181,836 homozygotes.

Submissions (7):

Labcorp Genetics (formerly Invitae), Labcorp
Classification: Benign for Primary ciliary dyskinesia. Last evaluated: 2025-12-16. Review status: criteria provided, single submitter. Criteria: Invitae Variant Classification Sherloc (09022015). Collection method: clinical testing. Allele origin: germline.

Blueprint Genetics
Classification: Likely benign. Last evaluated: 2024-11-27. Review status: criteria provided, single submitter. Criteria: ACMG Guidelines, 2015. Collection method: clinical testing. Allele origin: germline.

Mayo Clinic Laboratories, Mayo Clinic
Classification: Benign. Last evaluated: 2022-04-26. Review status: criteria provided, single submitter. Criteria: ACMG Guidelines, 2015. Collection method: clinical testing. Allele origin: germline. Observed: 143 variant alleles.

Genome-Nilou Lab
Classification: Benign for Primary ciliary dyskinesia 7. Last evaluated: 2021-07-30. Review status: criteria provided, single submitter. Criteria: ACMG Guidelines, 2015. Collection method: clinical testing. Allele origin: germline. Affected: no.

GeneDx
Classification: Benign. Last evaluated: 2018-11-10. Review status: criteria provided, single submitter. Criteria: GeneDx Variant Classification Process June 2021. Collection method: clinical testing. Allele origin: germline. Affected: yes.

Eurofins Ntd Llc (ga)
Classification: Benign. Last evaluated: 2013-10-28. Review status: criteria provided, single submitter. Criteria: EGL Classification Definitions 2015. Collection method: clinical testing. Allele origin: germline.

Laboratory for Molecular Medicine, Mass General Brigham Personalized Medicine
Classification: Benign. Last evaluated: 2013-02-21. Review status: criteria provided, single submitter. Criteria: LMM Criteria. Collection method: clinical testing. Allele origin: germline. Observed: 5 variant alleles.
Comment: Glu34Val in exon 1 of DNAH11: This variant is not expected to have clinical sign ificance because it has been identified in 45.1% (3331/7390) of European America n chromosomes from a broad population by the NHLBI Exome Sequencing Project (dbSNP rs2285944).

NM_001277115.2(DNAH11):c.101A>T (p.Glu34Val)

Gene: DNAH11 (dynein axonemal heavy chain 11; plus strand). Cytogenetic location: 7p15.3.
Variant type: single nucleotide variant.
Coding change: c.101A>T on transcript NM_001277115.2 (MANE Select); coding-DNA position 101, A replaced by T.
Protein change: p.Glu34Val; replaces glutamic acid 34 with valine.
Molecular consequence: missense variant.
Genome position (GRCh38, 1-based): chr7:21,543,346, A>T. VCF-style: chr7-21543346-A-T. GRCh37 (hg19) VCF-style: chr7-21582964-A-T.
Other names: short protein forms E34V.
Identifiers: ClinVar variation 93683 (VCV000093683.20), dbSNP rs2285944, ClinGen allele CA147203.